The following is an entry in ClinVar:

NM_017777.4(MKS1):c.1450_1453dup (p.Thr485fs)

Gene: MKS1 (MKS transition zone complex subunit 1; minus strand). Cytogenetic location: 17q22.
Variant type: Duplication.
Coding change: c.1450_1453dup on transcript NM_017777.4 (MANE Select); coding-DNA positions 1450 to 1453, 4 bases duplicated (GGCA; older notation c.1450_1453dupGGCA).
Protein change: p.Thr485fs; shifts the reading frame from threonine 485.
Molecular consequence: frameshift variant. On other transcripts: intron variant (2).
Genome position (GRCh38, 1-based): chr17:58,206,502-58,206,505, TGCC duplicated on the plus strand (GGCA on the coding strand, the reverse complement: MKS1 is on the minus strand); duplicating any 4 consecutive bases within chr17:58,206,502-58,206,507 gives the same sequence; the c. name uses the placement nearest the transcript's 3' end. VCF-style (leftmost placement, unchanged base first): chr17-58206501-G-GTGCC. GRCh37 (hg19) VCF-style: chr17-56283862-G-GTGCC.
Other names: c.1450_1453dupGGCA (NM_017777.3, NM_017777.4); c.841_844dup, p.Thr282fs (NM_001321268.2); c.1274-125_1274-122dup (NM_001330397.2); c.1408-125_1408-122dup (NM_001321269.2); short protein forms T282fs, T485fs.
Identifiers: ClinVar variation 56617 (VCV000056617.26), dbSNP rs386834044, ClinGen allele CA344744.

ClinVar aggregate classification (germline): Pathogenic/Likely pathogenic. Review status: criteria provided, multiple submitters, no conflicts (2 of 4 stars). 14 submissions from 11 submitters: Pathogenic (7); Likely pathogenic (3). 4 of the submissions do not count toward it. Last evaluated 2026-01-12.

Conditions:
Meckel syndrome, type 1 (MKS1). Also called: MECKEL-GRUBER SYNDROME, TYPE 1. Identifiers: Orphanet 564, MedGen C3714506, MONDO:0009571, OMIM 249000.
Joubert syndrome 28 (JBTS28). Identifiers: MedGen C4310705, MONDO:0014928, OMIM 617121.
Bardet-Biedl syndrome 13 (BBS13). Identifiers: Orphanet 110, MedGen C2673873, MONDO:0014441, OMIM 615990.
MKS1-related disorder. Also called: MKS1-related disorders; MKS1-related condition. Identifiers: MedGen CN239382.
Meckel-Gruber syndrome. Also called: DYSENCEPHALIA SPLANCHNOCYSTICA; GRUBER SYNDROME; Dysencephalia splachnocystica. Identifiers: Orphanet 564, MedGen C0265215, MONDO:0018921.
Joubert syndrome. Also called: Familial aplasia of the vermis; JOUBERT-BOLTSHAUSER SYNDROME. Identifiers: Orphanet 475, MedGen C5979921, MONDO:0018772.

Submissions (14):

Labcorp Genetics (formerly Invitae), Labcorp
Classification: Pathogenic for Joubert syndrome; Meckel-Gruber syndrome. Last evaluated: 2026-01-12. Review status: criteria provided, single submitter. Criteria: Invitae Variant Classification Sherloc (09022015). Collection method: clinical testing. Allele origin: germline.
Comment: This sequence change is expected to alter the c-terminus of the MKS1 protein (p.Thr485Argfs*107). While this is not anticipated to result in nonsense mediated decay, it is expected to disrupt the last 75 amino acid(s) of the MKS1 protein and extend the protein by 31 additional amino acid residues. This variant is present in population databases (rs386834044, gnomAD 0.06%). This frameshift has been observed in individual(s) with Meckel Gruber syndrome (PMID: 17185389, 17397051). This variant is also known as c.1448_1451dupCAGG; p.G484fsX108. ClinVar contains an entry for this variant (Variation ID: 56617). This variant results in an extension of the MKS1 protein. Other variant(s) that result in a similarly extended protein product (p.Arg510Profs*81) have been observed in individuals with MKS1-related disease (PMID: 26490104). This suggests that these extensions may be clinically significant. For these reasons, this variant has been classified as Pathogenic.

Revvity Omics, Revvity
Classification: Pathogenic. Last evaluated: 2025-04-18. Review status: criteria provided, single submitter. Criteria: ACMG Guidelines, 2015. Collection method: clinical testing. Allele origin: germline.

Natera, Inc.
Classification: Likely pathogenic for Meckel syndrome type 1. Last evaluated: 2025-03-25. Review status: criteria provided, single submitter. Criteria: Natera Variant Classification Schema (03/2026). Collection method: clinical testing. Allele origin: germline.
Comment: The c.1450_1453dupGGCA variant in MKS1 is a frameshift variant predicted to elongate the protein beyond the termination codon. This variant is expected to result in nonsense mediated decay, truncation, or a dysfunctional protein product. This variant is rare in the general population with a frequency below the threshold expected for the associated phenotype(s). This variant has been observed in one or more individuals affected with the associated recessive disease, as either homozygous or compound heterozygous with a second variant (PMID: 17397051). Functional studies show that this variant may disrupt protein function (PMID: 17185389). Given the available evidence, this variant is classified as Likely Pathogenic.

First Genomix Gene Laboratory, Genetic Diagnostics Department
Classification: Pathogenic for Bardet-Biedl syndrome 13; Joubert syndrome 28; Meckel syndrome, type 1. Last evaluated: 2025-03-21. Review status: criteria provided, single submitter. Criteria: ACMG Guidelines, 2015. Collection method: clinical testing. Allele origin: germline. Inheritance: Autosomal recessive inheritance. Affected: no. Observed: 1 variant allele.

Blueprint Genetics
Classification: Pathogenic for MKS1-related disorders. Last evaluated: 2024-08-30. Review status: criteria provided, single submitter. Criteria: ACMG Guidelines, 2015. Collection method: clinical testing. Allele origin: germline. Affected: yes. Observed: 5 variant alleles.

Baylor Genetics
Classification: Pathogenic for Bardet-Biedl syndrome 13. Last evaluated: 2024-03-24. Review status: criteria provided, single submitter. Criteria: ACMG Guidelines, 2015. Collection method: clinical testing. Allele origin: unknown.

Department of Paediatric Medicine, Post Graduation Institute of Medical Education and Research
Classification: Likely pathogenic for Bardet-Biedl syndrome 13. Last evaluated: 2023-03-01. Review status: criteria provided, single submitter. Criteria: ACMG Guidelines, 2015. Collection method: clinical testing. Allele origin: inherited. Inheritance: Autosomal recessive inheritance. Affected: no. Observed: 1 variant allele, 1 heterozygote.
Comment: PVS1, PM2, PP5

Fulgent Genetics
Classification: Pathogenic for Meckel syndrome, type 1; Bardet-Biedl syndrome 13; Joubert syndrome 28. Last evaluated: 2022-03-20. Review status: criteria provided, single submitter. Criteria: ACMG Guidelines, 2015. Collection method: clinical testing. Allele origin: unknown.

Illumina Laboratory Services, Illumina
Classification: Likely pathogenic for MKS1-Related Disorders. Last evaluated: 2017-04-27. Review status: criteria provided, single submitter. Criteria: ICSL Variant Classification Criteria 09 May 2019. Collection method: clinical testing. Allele origin: germline.
Comment: The MKS1 c.1450_1453dupGGCA (p.Thr485ArgfsTer107) variant, also known as c.1448_1451dupCAGG, results in a frameshift and is predicted to cause an elongation of the protein. Across a selection of available literature, the p.Thr485ArgfsTer107 variant was identified in a homozygous state in four individuals with Meckel syndrome from consanguineous families of Pakistani origin (Dawe et al. 2007; Khaddour et al. 2007; Szymanska et al. 2012). The p.Thr485ArgfsTer107 variant has not been reported in any cases of Bardet-Biedl syndrome. The variant was absent from 96 healthy controls but is reported at a frequency of 0.00067 in the South Asian population of the Exome Aggregation Consortium. Dawe et al. (2007) conducted immunohistochemistry staining in kidney tissue from an affected individual carrying the p.Thr485ArgfsTer107 variant and demonstrated a lack of MKS1 protein compared to age-matched control tissue. Based on the evidence from the literature and potential impact of frameshift variants, the p.Thr485ArgfsTer107 variant is classified as likely pathogenic for MKS1-related disorders. This variant was observed by ICSL as part of a predisposition screen in an ostensibly healthy population.

Labcorp Genetics (formerly Invitae), Labcorp
Classification: Pathogenic for Joubert syndrome. Last evaluated: 2016-02-08. Review status: criteria provided, single submitter. Criteria: Invitae Variant Classification Sherloc (09022015). Collection method: clinical testing. Allele origin: germline.
Comment: This sequence change inserts 4 nucleotides in exon 16 of the MKS1 mRNA (c.1450_1453dupGGCA), causing a frameshift at codon 485. This creates a premature translational stop signal (p.Thr485Argfs*107) and is expected to result in an absent or disrupted protein product. Truncating variants in MKS1 are known to be pathogenic. This particular truncation has been reported in the homozygous state from an individual affected with Meckel Gruber syndrome in the literature (PMID: 17397051, 17185389). This variant is also known as c.1448_1451dupCAGG; p.G484fsX108 in the literature. For these reasons, this variant has been classified as Pathogenic.

Counsyl
Classification: Likely pathogenic for Meckel syndrome, type 1. Last evaluated: 2016-12-05. Review status: no assertion criteria provided. Collection method: clinical testing. Allele origin: unknown. Not counted in ClinVar's aggregate classification.

Counsyl
Classification: Likely pathogenic for Bardet-Biedl syndrome 13. Last evaluated: 2016-12-05. Review status: no assertion criteria provided. Collection method: clinical testing. Allele origin: unknown. Not counted in ClinVar's aggregate classification.

Counsyl
Classification: Likely pathogenic for Joubert syndrome 28. Last evaluated: 2016-12-05. Review status: no assertion criteria provided. Collection method: clinical testing. Allele origin: unknown. Not counted in ClinVar's aggregate classification.

Juha Muilu Group; Institute for Molecular Medicine Finland (FIMM)
Classification: Likely pathogenic for Meckel syndrome type1. Review status: no assertion criteria provided. Collection method: not provided. Allele origin: unknown. Not counted in ClinVar's aggregate classification.
Comment: FinDis database variant: This variant was not found or characterized by our laboratory, data were collected from public sources: see reference
ClinVar note: Converted during submission from probable-pathogenic to Likely pathogenic.

Literature cited by the submitters: PubMed 17185389 (cited by 3 submitters); PubMed 17397051 (cited by 4 submitters); PubMed 26490104 (cited by Labcorp Genetics (formerly Invitae), Labcorp); PubMed 23351400 (cited by Illumina Laboratory Services, Illumina).